The following is an entry in ClinVar:

NM_024649.5(BBS1):c.1719A>G (p.Gln573=)

Genes: BBS1 (Bardet-Biedl syndrome 1; plus strand), ZDHHC24 (zDHHC palmitoyltransferase 24; minus strand). Cytogenetic location: 11q13.2.
Variant type: single nucleotide variant.
Coding change: c.1719A>G on transcript NM_024649.5 (MANE Select); coding-DNA position 1719, A replaced by G.
Protein change: p.Gln573=; no amino-acid change (glutamine 573 retained).
Molecular consequence: synonymous variant. On other transcripts: intron variant (1).
Genome position (GRCh38, 1-based): chr11:66,531,974, A>G. VCF-style: chr11-66531974-A-G. GRCh37 (hg19) VCF-style: chr11-66299445-A-G.
Other names: c.560-2486T>C (NM_001348571.2).
Identifiers: ClinVar variation 305472 (VCV000305472.72), dbSNP rs150553044, ClinGen allele CA6123879.

ClinVar aggregate classification (germline): Benign/Likely benign. Review status: criteria provided, multiple submitters, no conflicts (2 of 4 stars). 9 submissions from 9 submitters: Benign (2); Likely benign (5). 2 of the submissions do not count toward it. Last evaluated 2026-06-01.

Conditions:
Bardet-Biedl syndrome 1 (BBS1). Identifiers: MedGen C2936862, MONDO:0008854, OMIM 209900. Disease mechanism: loss of function.
Bardet-Biedl syndrome (BBS). Identifiers: Orphanet 110, MedGen C0752166, MONDO:0015229.

Allele frequency attached by ClinVar (database versions not stated): 1000 Genomes Project 0.00200; ExAC 0.00137; gnomAD exomes 0.00027 and 0.00057; gnomAD 0.00182 and 0.00194; 1000 Genomes Project 30x 0.00187; TOPMed 0.00232; ESP Exome Variant Server 0.00277.
gnomAD v4.1: 719 of 1,603,838 alleles (0.045%); highest among the groups gnomAD compares: African/African-American, 0.71%; 2 homozygotes.

Submissions (9):

CeGaT Center for Human Genetics Tuebingen
Classification: Likely benign. Last evaluated: 2026-06-01. Review status: criteria provided, single submitter. Criteria: CeGaT Center For Human Genetics Tuebingen Variant Classification Criteria Version 2. Collection method: clinical testing. Allele origin: germline. Affected: yes. Observed: 2 variant alleles.
Comment: BBS1: BP4, BP7

Labcorp Genetics (formerly Invitae), Labcorp
Classification: Benign for Bardet-Biedl syndrome. Last evaluated: 2026-01-31. Review status: criteria provided, single submitter. Criteria: Invitae Variant Classification Sherloc (09022015). Collection method: clinical testing. Allele origin: germline.

Blueprint Genetics
Classification: Likely benign. Last evaluated: 2024-09-03. Review status: criteria provided, single submitter. Criteria: ACMG Guidelines, 2015. Collection method: clinical testing. Allele origin: germline.

Genetic Services Laboratory, University of Chicago
Classification: Benign. Last evaluated: 2021-03-31. Review status: criteria provided, single submitter. Criteria: ACMG Guidelines, 2015. Collection method: clinical testing. Allele origin: germline. Affected: no.

Illumina Laboratory Services, Illumina
Classification: Likely benign for Bardet-Biedl syndrome 1. Last evaluated: 2018-01-13. Review status: criteria provided, single submitter. Criteria: ICSL Variant Classification Criteria 13 December 2019. Collection method: clinical testing. Allele origin: germline.
Comment: This variant was observed in the ICSL laboratory as part of a predisposition screen in an ostensibly healthy population. It had not been previously curated by ICSL or reported in the Human Gene Mutation Database (HGMD: prior to June 1st, 2018), and was therefore a candidate for classification through an automated scoring system. Utilizing variant allele frequency, disease prevalence and penetrance estimates, and inheritance mode, an automated score was calculated to assess if this variant is too frequent to cause the disease. Based on the score and internal cut-off values, a variant classified as likely benign is not then subjected to further curation. The score for this variant resulted in a classification of likely benign for this disease.

Clinical Genetics DNA and cytogenetics Diagnostics Lab, Erasmus MC, Erasmus Medical Center
Classification: Likely benign for Bardet-Biedl syndrome 1. Last evaluated: 2017-06-28. Review status: criteria provided, single submitter. Criteria: ACGS Guidelines, 2013. Collection method: clinical testing. Allele origin: germline. Affected: yes. Study: VKGL Data-share Consensus.

Breakthrough Genomics
Classification: Likely benign. Review status: criteria provided, single submitter. Criteria: ACMG Guidelines, 2015. Collection method: not provided. Allele origin: germline. Inheritance: Autosomal recessive inheritance. Affected: yes.

Natera, Inc.
Classification: Likely benign for Bardet-Biedl syndrome type 1. Last evaluated: 2019-10-22. Review status: no assertion criteria provided. Collection method: clinical testing. Allele origin: germline. Not counted in ClinVar's aggregate classification.

Clinical Genetics, Academic Medical Center
Classification: Likely benign. Review status: no assertion criteria provided. Collection method: clinical testing. Allele origin: germline. Affected: yes. Study: VKGL Data-share Consensus. Not counted in ClinVar's aggregate classification.